The following is an entry in ClinVar:

ClinVar aggregate classification (germline): Pathogenic/Likely pathogenic. Review status: criteria provided, multiple submitters, no conflicts (2 of 4 stars). 6 submissions from 6 submitters: Pathogenic (3); Likely pathogenic (1). 2 of the submissions do not count toward it. Last evaluated 2023-08-30.

Conditions:
Inborn genetic diseases. Identifiers: MedGen C0950123, MeSH D030342.
Charcot-Marie-Tooth disease, type I (CMT1). Also called: Charcot-Marie-Tooth, Type 1; Charcot-Marie-Tooth disease type 1. Identifiers: Orphanet 65753, MedGen C0751036, MONDO:0019011.
Charcot-Marie-Tooth disease. Also called: Charcot-Marie-Tooth Hereditary Neuropathy; Charcot-Marie-Tooth Neuropathy. Identifiers: Orphanet 166, MedGen C0007959, MONDO:0015626.
Charcot-Marie-Tooth disease type 1B. Also called: Charcot-Marie-Tooth disease, type IB; Charcot-Marie-Tooth disease, demyelinating, type 1b; Hereditary motor and sensory neuropathy 1B; CHARCOT-MARIE-TOOTH DISEASE, AUTOSOMAL DOMINANT, WITH FOCALLY FOLDED MYELIN SHEATHS, TYPE 1B; CHARCOT-MARIE-TOOTH DISEASE, SLOW NERVE CONDUCTION TYPE, LINKED TO DUFFY; CHARCOT-MARIE-TOOTH NEUROPATHY, TYPE 1B. Identifiers: Orphanet 101082, MedGen C0270912, MONDO:0007307, OMIM 118200.

Submissions (6):

Labcorp Genetics (formerly Invitae), Labcorp
Classification: Pathogenic for Charcot-Marie-Tooth disease, type I. Last evaluated: 2023-08-30. Review status: criteria provided, single submitter. Criteria: Invitae Variant Classification Sherloc (09022015). Collection method: clinical testing. Allele origin: germline.
Comment: This sequence change replaces arginine, which is basic and polar, with proline, which is neutral and non-polar, at codon 98 of the MPZ protein (p.Arg98Pro). This variant is not present in population databases (gnomAD no frequency). This missense change has been observed in individuals with Charcot-Marie-Tooth disease type 1 (PMID: 8644725). ClinVar contains an entry for this variant (Variation ID: 14174). Advanced modeling of protein sequence and biophysical properties (such as structural, functional, and spatial information, amino acid conservation, physicochemical variation, residue mobility, and thermodynamic stability) performed at Invitae indicates that this missense variant is expected to disrupt MPZ protein function. This variant disrupts the p.Arg98 amino acid residue in MPZ. Other variant(s) that disrupt this residue have been determined to be pathogenic (PMID: 8644725, 10581375, 20215982, 20461396). This suggests that this residue is clinically significant, and that variants that disrupt this residue are likely to be disease-causing. For these reasons, this variant has been classified as Pathogenic.

Ambry Genetics
Classification: Likely pathogenic for Inborn genetic diseases. Last evaluated: 2022-07-08. Review status: criteria provided, single submitter. Criteria: Ambry Variant Classification Scheme 2023. Collection method: clinical testing. Allele origin: germline.
Comment: The p.R98P variant (also known as c.293G>C), located in coding exon 3 of the MPZ gene, results from a G to C substitution at nucleotide position 293. The arginine at codon 98 is replaced by proline, an amino acid with dissimilar properties. This alteration was reported to segregate with disease in a family with autosomal dominant MPZ-related neuropathic disorders (Rouger H et al. Am J Hum Genet, 1996 Mar;58:638-41). Another alteration at the same codon, p.R98H (c.293G>A), has been described in multiple individuals with demyelinating Charcot-Marie-Tooth disease (Lagueny A et al. Neuromuscul Disord, 1999 Oct;9:361-7; Ohnishi A et al. J Neurol Sci, 1999 Dec;171:97-109; Rouger H et al. Am J Hum Genet, 1996 Mar;58:638-41). This amino acid position is highly conserved in available vertebrate species. In addition, this alteration is predicted to be deleterious by in silico analysis. This variant is considered to be rare based on population cohorts in the Genome Aggregation Database (gnomAD). Based on the majority of available evidence to date, this variant is likely to be pathogenic.

Athena Diagnostics
Classification: Pathogenic. Last evaluated: 2021-07-27. Review status: criteria provided, single submitter. Criteria: Athena Diagnostics Criteria. Collection method: clinical testing. Allele origin: unknown.
Comment: This variant has not been reported in large, multi-ethnic general populations. This variant appears to segregate with disease in at least one family. At least one other missense variant at this codon is considered to be pathogenic or likely pathogenic, suggesting this variant may also cause disease. Computational tools predict that this variant is damaging. The variant is located in a region that is considered important for protein function and/or structure.

ARUP Laboratories, Molecular Genetics and Genomics, ARUP Laboratories
Classification: Pathogenic. Last evaluated: 2020-04-21. Review status: criteria provided, single submitter. Criteria: ARUP Molecular Germline Variant Investigation Process. Collection method: clinical testing. Allele origin: germline.
Comment: The MPZ c.293G>C; p.Arg98Pro variant (rs121913589) is reported in the literature in a family affected with Charcot-Marie-Tooth syndrome, where it co-segregated with disease in six affected individuals (Rouger 1996). This variant is absent from general population databases (Exome Variant Server, Genome Aggregation Database), indicating it is not a common polymorphism, and it is reported as pathogenic by multiple laboratories in ClinVar (Variation ID: 14174). The arginine at codon 98 is highly conserved, and computational analyses (SIFT, PolyPhen-2) predict that this variant is deleterious. Additionally, other amino acid substitutions at this codon (His, Cys, and Ser) have been reported in individuals with Charcot-Marie-Tooth syndrome or Dejerine-Sottas disease and are considered pathogenic (Rouger 1996, Warner 1996). Based on available information, this variant is considered to be pathogenic. References: Rouger H et al. High frequency of mutations in codon 98 of the peripheral myelin protein P0 gene in 20 French CMT1 patients. Am J Hum Genet. 1996 Mar;58(3):638-41. Warner LE et al. Clinical phenotypes of different MPZ (P0) mutations may include Charcot-Marie-Tooth type 1B, Dejerine-Sottas, and congenital hypomyelination. Neuron. 1996 Sep;17(3):451-60.

OMIM
Classification: Pathogenic for CHARCOT-MARIE-TOOTH DISEASE, TYPE 1B. Last evaluated: 1996-03-01. Review status: no assertion criteria provided. Collection method: literature only. Allele origin: germline. Not counted in ClinVar's aggregate classification.

Inherited Neuropathy Consortium
Classification: Uncertain significance for Charcot-Marie-Tooth disease. Review status: no assertion criteria provided. Collection method: literature only. Allele origin: germline. Affected: yes. Not counted in ClinVar's aggregate classification.

Literature cited by the submitters: PubMed 8644725 (cited by 5 submitters); PubMed 10581375 (cited by Labcorp Genetics (formerly Invitae), Labcorp and Ambry Genetics); PubMed 20215982 (cited by Labcorp Genetics (formerly Invitae), Labcorp); PubMed 20461396 (cited by Labcorp Genetics (formerly Invitae), Labcorp); PubMed 10545037 (cited by Ambry Genetics); PubMed 33179255 (cited by Athena Diagnostics); PubMed 26135405 (cited by Athena Diagnostics); PubMed 7688964 (cited by OMIM).

NM_000530.8(MPZ):c.293G>C (p.Arg98Pro)

Gene: MPZ (myelin protein zero; minus strand). Cytogenetic location: 1q23.3.
Variant type: single nucleotide variant.
Coding change: c.293G>C on transcript NM_000530.8 (MANE Select); coding-DNA position 293, G replaced by C.
Protein change: p.Arg98Pro; replaces arginine 98 with proline.
Molecular consequence: missense variant.
Genome position (GRCh38, 1-based): chr1:161,306,863, C>G on the plus strand (G>C on the coding strand, the complement: MPZ is on the minus strand). VCF-style: chr1-161306863-C-G. GRCh37 (hg19) VCF-style: chr1-161276653-C-G.
Other names: c.293G>C, p.Arg98Pro (NM_001315491.2, LRG_256t1); short protein forms R98P.
Identifiers: ClinVar variation 14174 (VCV000014174.23), dbSNP rs121913589, ClinGen allele CA257150.
Genomic context (GRCh38, chr1:161,306,863, plus strand): 5'-TCTAGGTTGTGTATGACAATGGAGCCATCCTTCCAGCGAGGGTCCCCTACCCACTGGATG[C>G]GCTCTTTGAAGGTCCCCACCTCGTCAATGTAGGGTTGTCCCTTGGCATAGTGGAAGATCT-3'
Protein context (NP_000521.2, residues 88-108): YIDEVGTFKE[Arg98Pro]IQWVGDPRWK